The following is an entry in ClinVar:

ClinVar aggregate classification (germline): Uncertain significance (1 of 4 stars; one submission).

Conditions:
Charcot-Marie-Tooth disease type 2. Also called: Charcot-Marie-Tooth type 2. Identifiers: Orphanet 64746, MedGen C0270914, MONDO:0018993.

Allele frequency attached by ClinVar (database versions not stated): gnomAD exomes below 0.00001.
gnomAD v4.1: 1 of 1,614,228 alleles (0.000062%); no homozygotes.

Submission:

Labcorp Genetics (formerly Invitae), Labcorp
Classification: Uncertain significance for Charcot-Marie-Tooth disease type 2. Last evaluated: 2019-11-11. Review status: criteria provided, single submitter. Criteria: Invitae Variant Classification Sherloc (09022015). Collection method: clinical testing. Allele origin: germline.
Comment: This sequence change replaces glutamine with arginine at codon 83 of the MED25 protein (p.Gln83Arg). The glutamine residue is highly conserved and there is a small physicochemical difference between glutamine and arginine. This variant is not present in population databases (ExAC no frequency). This variant has not been reported in the literature in individuals with MED25-related conditions. Algorithms developed to predict the effect of missense changes on protein structure and function are either unavailable or do not agree on the potential impact of this missense change (SIFT: "Deleterious"; PolyPhen-2: "Probably Damaging"; Align-GVGD: "Class C0"). In summary, the available evidence is currently insufficient to determine the role of this variant in disease. Therefore, it has been classified as a Variant of Uncertain Significance.

NM_030973.4(MED25):c.248A>G (p.Gln83Arg)

Gene: MED25 (mediator complex subunit 25; plus strand). Cytogenetic location: 19q13.33.
Variant type: single nucleotide variant.
Coding change: c.248A>G on transcript NM_030973.4 (MANE Select); coding-DNA position 248, A replaced by G.
Protein change: p.Gln83Arg; replaces glutamine 83 with arginine.
Molecular consequence: missense variant.
Genome position (GRCh38, 1-based): chr19:49,819,239, A>G. VCF-style: chr19-49819239-A-G. GRCh37 (hg19) VCF-style: chr19-50322496-A-G.
Other names: c.248A>G, p.Gln83Arg (NM_001378355.1); short protein forms Q83R.
Identifiers: ClinVar variation 967207 (VCV000967207.9), dbSNP rs2073964192, ClinGen allele CA406909603.